The following is an entry in ClinVar:

ClinVar aggregate classification (germline): Likely benign (1 of 4 stars; one submission).

Allele frequency attached by ClinVar (database versions not stated): ESP Exome Variant Server 0.00008; gnomAD 0.00009; ExAC 0.00010.
gnomAD v4.1: 161 of 1,605,470 alleles (0.01%); highest among the groups gnomAD compares: Admixed American, 0.029%; no homozygotes.

Submission:

CeGaT Center for Human Genetics Tuebingen
Classification: Likely benign. Last evaluated: 2022-11-01. Review status: criteria provided, single submitter. Criteria: CeGaT Center For Human Genetics Tuebingen Variant Classification Criteria Version 2. Collection method: clinical testing. Allele origin: germline. Affected: yes. Observed: 1 variant allele.
Comment: DPP6: BP4, BS2

NM_130797.4(DPP6):c.1802T>C (p.Ile601Thr)

Gene: DPP6 (dipeptidyl peptidase like 6; plus strand). Cytogenetic location: 7q36.2.
Variant type: single nucleotide variant.
Coding change: c.1802T>C on transcript NM_130797.4 (MANE Select); coding-DNA position 1802, T replaced by C.
Protein change: p.Ile601Thr; replaces isoleucine 601 with threonine.
Molecular consequence: missense variant. On other transcripts: non-coding transcript variant (2).
Genome position (GRCh38, 1-based): chr7:154,868,082, T>C. VCF-style: chr7-154868082-T-C. GRCh37 (hg19) VCF-style: chr7-154659792-T-C.
Other names: c.1610T>C, p.Ile537Thr (NM_001039350.3); c.1481T>C, p.Ile494Thr (NM_001290252.2); c.1619T>C, p.Ile540Thr (NM_001364497.2, NM_001364498.2, NM_001364499.2 and 1 more transcripts); c.1616T>C, p.Ile539Thr (NM_001936.5); short protein forms I494T, I537T, I539T, I540T, I601T.
Identifiers: ClinVar variation 2658269 (VCV002658269.24), dbSNP rs368709769, ClinGen allele CA4583678.